The following is an entry in ClinVar:

ClinVar aggregate classification (germline): Uncertain significance (1 of 4 stars; one submission).

Conditions:
Fanconi anemia (FA). Also called: Fanconi's anemia. Identifiers: Orphanet 84, MedGen C0015625, MeSH D005199, MONDO:0019391.

Allele frequency attached by ClinVar (database versions not stated): gnomAD exomes below 0.00001 and 0.00001; gnomAD 0.00003; 1000 Genomes Project 30x 0.00016.
gnomAD v4.1: 11 of 1,610,158 alleles (0.00068%); highest among the groups gnomAD compares: African/African-American, 0.008%; no homozygotes.

Submission:

Labcorp Genetics (formerly Invitae), Labcorp
Classification: Uncertain significance for Fanconi anemia. Last evaluated: 2024-12-15. Review status: criteria provided, single submitter. Criteria: Invitae Variant Classification Sherloc (09022015). Collection method: clinical testing. Allele origin: germline.
Comment: This sequence change replaces lysine, which is basic and polar, with glutamic acid, which is acidic and polar, at codon 378 of the FANCD2 protein (p.Lys378Glu). The frequency data for this variant in the population databases is considered unreliable, as metrics indicate poor data quality at this position in the gnomAD database. This variant has not been reported in the literature in individuals affected with FANCD2-related conditions. ClinVar contains an entry for this variant (Variation ID: 1465429). An algorithm developed to predict the effect of missense changes on protein structure and function (PolyPhen-2) suggests that this variant is likely to be disruptive. In summary, the available evidence is currently insufficient to determine the role of this variant in disease. Therefore, it has been classified as a Variant of Uncertain Significance.

NM_001018115.3(FANCD2):c.1132A>G (p.Lys378Glu)

Genes: FANCD2 (FA complementation group D2; plus strand), LOC107303338 (3p25 FANCD2 Alu-mediated recombination region; plus strand). Cytogenetic location: 3p25.3.
Variant type: single nucleotide variant.
Coding change: c.1132A>G on transcript NM_001018115.3 (MANE Select); coding-DNA position 1132, A replaced by G.
Protein change: p.Lys378Glu; replaces lysine 378 with glutamic acid.
Molecular consequence: missense variant.
Genome position (GRCh38, 1-based): chr3:10,043,862, A>G. VCF-style: chr3-10043862-A-G. GRCh37 (hg19) VCF-style: chr3-10085546-A-G.
Other names: c.1132A>G, p.Lys378Glu (NM_001319984.2, NM_001374253.1, NM_001374254.1 and 1 more transcripts); short protein forms K378E.
Identifiers: ClinVar variation 1465429 (VCV001465429.4), dbSNP rs1171804978, ClinGen allele CA351732160.